The following is an entry in ClinVar:

NM_006218.4(PIK3CA):c.1632_1633delinsAA (p.Glu545Lys)

Gene: PIK3CA (phosphatidylinositol-4,5-bisphosphate 3-kinase catalytic subunit alpha; plus strand). Cytogenetic location: 3q26.32.
Variant type: Indel.
Coding change: c.1632_1633delinsAA on transcript NM_006218.4 (MANE Select); coding-DNA positions 1632 to 1633, TG replaced by AA.
Protein change: p.Glu545Lys; replaces glutamic acid 545 with lysine.
Molecular consequence: missense variant.
Genome position (GRCh38, 1-based): chr3:179,218,302-179,218,303, TG replaced by AA. VCF-style: chr3-179218302-TG-AA. GRCh37 (hg19) VCF-style: chr3-178936090-TG-AA.
Other names: short protein forms E545K.
Identifiers: ClinVar variation 2672088 (VCV002672088.1), dbSNP rs2473524076, ClinGen allele CA2695199341.

ClinVar aggregate classification (germline): Pathogenic (1 of 4 stars; one submission).

Conditions:
PIK3CA related overgrowth syndrome. Also called: PIK3CA related overgrowth spectrum; PIK3CA-Related Segmental Overgrowth. Identifiers: Orphanet 530313, MedGen C4728213, MONDO:1040002.

Submission:

Clinical Genomics Laboratory, Washington University in St. Louis
Classification: Pathogenic for PIK3CA-related overgrowth syndrome. Last evaluated: 2023-08-26. Review status: criteria provided, single submitter. Criteria: ACMG Guidelines, 2015. Collection method: clinical testing. Allele origin: somatic. Affected: yes.
Comment: The PIK3CA c.1632_1633delinsAA (p.Glu545Lys) variant was identified at an allelic fraction consistent with somatic origin. This variant, to our knowledge, has not been reported in the literature; however, the same amino acid change, p.Glu545Lys, resulting from a different nucleotide change, c.1633G>A, has been reported in numerous individuals affected with PIK3CA-Related Overgrowth Spectrum (PROS) disorders and is considered pathogenic (Yeung KS et al., PMID: 28328134; Mirzaa G et al., PMID: 27631024; Keppler-Noreuil KM et al., PMID: 25557259; Keppler-Noreuil KM et al., PMID: 24782230; McNulty SN et al., PMID: 31585106; Luks VL et al., PMID: 25681199; Jansen LA et al., PMID: 25722288; Piacitelli AM et al., PMID: 30063105; ClinVar Variation ID: 13655). Another variant in the same codon, PIK3CA c.1634A>C (p.Glu545Ala), has been reported in individuals with lymphatic malformation and is considered pathogenic (Osborn AJ et al., PMID: 25292196; ClinVar Variation ID: 13659). The PIK3CA c.1632_1633delinsAA (p.Glu545Lys) variant is absent from the general population (gnomAD v.2.1.1), indicating it is not a common variant. This variant resides within the helical domain of the p110⍺ catalytic subunit, amino acids 517-694, of PIK3CA that is defined as a critical functional domain, and constitutes a mutational hotspot (Madsen R et al., PMID: 30197175; Keppler-Noreuil KM et al., PMID: 25557259; Gymnopoulos M et al., PMID: 17376864). Functional in vitro and patient-derived cells studies show that this lysine substitution at codon 545 leads to autonomous phosphorylation of AKT and activation of the downstream AKT-mTOR signaling, indicating that this variant impacts protein function (Gymnopoulos M et al., PMID: 17376864; Menteş M et al. PMID: 35842959). A large number of PI3K/AKT pathway inhibitors are currently under clinical study, in both PROS disorders and cancer (Jin N et al., PMID: 34779417; Venot Q et al., PMID: 29899452; Parker VER et al., PMID: 30270358). Based on an internally-developed protocol informed by the ACMG/AMP guidelines (Richards S et al., PMID: 25741868) and gene-specific practices from the ClinGen Criteria Specification Registry, the PIK3CA c.1632_1633delinsAA (p.Glu545Lys) variant is classified as pathogenic.